The following is an entry in ClinVar:

NM_000540.3(RYR1):c.7189A>G (p.Ile2397Val)

Gene: RYR1 (ryanodine receptor 1; plus strand). Cytogenetic location: 19q13.2.
Variant type: single nucleotide variant.
Coding change: c.7189A>G on transcript NM_000540.3 (MANE Select); coding-DNA position 7189, A replaced by G.
Protein change: p.Ile2397Val; replaces isoleucine 2397 with valine.
Molecular consequence: missense variant.
Genome position (GRCh38, 1-based): chr19:38,499,796, A>G. VCF-style: chr19-38499796-A-G. GRCh37 (hg19) VCF-style: chr19-38990436-A-G.
Other names: c.7189A>G, p.Ile2397Val (NM_001042723.2); short protein forms I2397V.
Identifiers: ClinVar variation 2907350 (VCV002907350.2), dbSNP rs2514313971, ClinGen allele CA405668754.

ClinVar aggregate classification (germline): Uncertain significance (1 of 4 stars; one submission).

Conditions:
RYR1-related disorder. Also called: RYR1-related condition; RYR1-related disorders. Identifiers: MedGen CN239331.

Allele frequency attached by ClinVar (database versions not stated): gnomAD exomes 0.00001.
gnomAD v4.1: 4 of 1,604,878 alleles (0.00025%); highest among the groups gnomAD compares: South Asian, 0.0044%; no homozygotes.

Submission:

Labcorp Genetics (formerly Invitae), Labcorp
Classification: Uncertain significance for RYR1-related disorder. Last evaluated: 2025-09-09. Review status: criteria provided, single submitter. Criteria: Invitae Variant Classification Sherloc (09022015). Collection method: clinical testing. Allele origin: germline.
Comment: This sequence change replaces isoleucine, which is neutral and non-polar, with valine, which is neutral and non-polar, at codon 2397 of the RYR1 protein (p.Ile2397Val). This variant is not present in population databases (gnomAD no frequency). This variant has not been reported in the literature in individuals affected with RYR1-related conditions. ClinVar contains an entry for this variant (Variation ID: 2907350). Invitae Evidence Modeling of protein sequence and biophysical properties (such as structural, functional, and spatial information, amino acid conservation, physicochemical variation, residue mobility, and thermodynamic stability) indicates that this missense variant is not expected to disrupt RYR1 protein function with a negative predictive value of 80%. In summary, the available evidence is currently insufficient to determine the role of this variant in disease. Therefore, it has been classified as a Variant of Uncertain Significance.